The following is an entry in ClinVar:

ClinVar aggregate classification (germline): Conflicting classifications of pathogenicity. Review status: criteria provided, conflicting classifications (1 of 4 stars). 3 submissions from 3 submitters: Pathogenic (1); Uncertain significance (2). Last evaluated 2024-10-02.

Conditions:
Neurodevelopmental disorder with hypotonia and variable intellectual and behavioral abnormalities. Identifiers: MedGen C5231423, MONDO:0032829, OMIM 618603.
Inborn genetic diseases. Identifiers: MedGen C0950123, MeSH D030342.

Submissions (3):

Ambry Genetics
Classification: Uncertain significance for Inborn genetic diseases. Last evaluated: 2024-10-02. Review status: criteria provided, single submitter. Criteria: Ambry Variant Classification Scheme 2023. Collection method: clinical testing. Allele origin: germline.
Comment: The c.2165A>G (p.N722S) alteration is located in exon 14 (coding exon 14) of the POLR2A gene. This alteration results from an A to G substitution at nucleotide position 2165, causing the asparagine (N) at amino acid position 722 to be replaced by a serine (S). This variant was not reported in population-based cohorts in the Genome Aggregation Database (gnomAD). This amino acid position is highly conserved in available vertebrate species. This alteration is predicted to be tolerated by in silico analysis. Based on insufficient or conflicting evidence, the clinical significance of this alteration remains unclear.

GeneDx
Classification: Pathogenic. Last evaluated: 2022-02-18. Review status: criteria provided, single submitter. Criteria: GeneDx Variant Classification Process June 2021. Collection method: clinical testing. Allele origin: germline. Affected: yes.
Comment: Not observed at significant frequency in large population cohorts (gnomAD); In silico analysis supports that this missense variant does not alter protein structure/function; Has not been previously published as pathogenic or benign to our knowledge

Institute of Human Genetics, University Hospital of Duesseldorf
Classification: Uncertain significance for Neurodevelopmental disorder with hypotonia and variable intellectual and behavioral abnormalities. Review status: criteria provided, single submitter. Criteria: ACMG Guidelines, 2015. Collection method: not provided. Allele origin: germline. Inheritance: Autosomal dominant inheritance. Affected: yes.

NM_000937.5(POLR2A):c.2165A>G (p.Asn722Ser)

Gene: POLR2A (RNA polymerase II subunit A; plus strand). Cytogenetic location: 17p13.1.
Variant type: single nucleotide variant.
Coding change: c.2165A>G on transcript NM_000937.5 (MANE Select); coding-DNA position 2165, A replaced by G.
Protein change: p.Asn722Ser; replaces asparagine 722 with serine.
Molecular consequence: missense variant.
Genome position (GRCh38, 1-based): chr17:7,501,545, A>G. VCF-style: chr17-7501545-A-G. GRCh37 (hg19) VCF-style: chr17-7404864-A-G.
Other names: short protein forms N722S.
Identifiers: ClinVar variation 1200074 (VCV001200074.7), dbSNP rs2150882831, ClinGen allele CA397886248.